The following is an entry in ClinVar:

ClinVar aggregate classification (germline): Likely benign. Review status: criteria provided, single submitter (1 of 4 stars). 2 submissions from 2 submitters: Likely benign (1). 1 of the submissions does not count toward it. Last evaluated 2023-05-18.

Conditions:
NRAP-related disorder. Also called: NRAP-related condition.

Allele frequency attached by ClinVar (database versions not stated): ExAC 0.00004; gnomAD 0.00005; TOPMed 0.00005; ESP Exome Variant Server 0.00023.
gnomAD v4.1: 28 of 1,613,166 alleles (0.0017%); highest among the groups gnomAD compares: Middle Eastern, 0.016%; no homozygotes.

Submissions (2):

Blueprint Genetics
Classification: Likely benign. Last evaluated: 2023-05-18. Review status: criteria provided, single submitter. Criteria: ACMG Guidelines, 2015. Collection method: clinical testing. Allele origin: germline.

PreventionGenetics, part of Exact Sciences
Classification: Likely benign for NRAP-related condition. Last evaluated: 2023-06-13. Review status: no assertion criteria provided. Collection method: clinical testing. Allele origin: germline. Not counted in ClinVar's aggregate classification.
Comment: This variant is classified as likely benign based on ACMG/AMP sequence variant interpretation guidelines (Richards et al. 2015 PMID: 25741868, with internal and published modifications).

NM_198060.4(NRAP):c.978C>T (p.His326=)

Gene: NRAP (nebulin related anchoring protein; minus strand). Cytogenetic location: 10q25.3.
Variant type: single nucleotide variant.
Coding change: c.978C>T on transcript NM_198060.4 (MANE Select); coding-DNA position 978, C replaced by T.
Protein change: p.His326=; no amino-acid change (histidine 326 retained).
Molecular consequence: synonymous variant.
Genome position (GRCh38, 1-based): chr10:113,646,938, G>A on the plus strand (C>T on the coding strand, the complement: NRAP is on the minus strand). VCF-style: chr10-113646938-G-A. GRCh37 (hg19) VCF-style: chr10-115406697-G-A.
Other names: c.978C>T, p.His326= (NM_001261463.2, NM_001322945.2, NM_006175.5).
Identifiers: ClinVar variation 3028960 (VCV003028960.3), dbSNP rs371839135, ClinGen allele CA5695740.